The following is an entry in ClinVar:

NM_000465.4(BARD1):c.672A>G (p.Lys224=)

Gene: BARD1 (BRCA1 associated RING domain 1; minus strand). Cytogenetic location: 2q35.
Variant type: single nucleotide variant.
Coding change: c.672A>G on transcript NM_000465.4 (MANE Select); coding-DNA position 672, A replaced by G.
Protein change: p.Lys224=; no amino-acid change (lysine 224 retained).
Molecular consequence: synonymous variant. On other transcripts: non-coding transcript variant (2), intron variant (3).
Genome position (GRCh38, 1-based): chr2:214,781,202, T>C on the plus strand (A>G on the coding strand, the complement: BARD1 is on the minus strand). VCF-style: chr2-214781202-T-C. GRCh37 (hg19) VCF-style: chr2-215645926-T-C.
Other names: c.615A>G, p.Lys205= (NM_001282543.2); c.158+28210A>G (NM_001282548.2); c.215+15859A>G (NM_001282545.2); c.364+11095A>G (NM_001282549.2); c.672A>G (NM_000465.2).
Identifiers: ClinVar variation 749969 (VCV000749969.13), dbSNP rs1574820067, ClinGen allele CA431391467.
Genomic context (GRCh38, chr2:214,781,202, plus strand): 5'-GCTACAGAAGGATACCAGCTTTTGCTTAGATTCCTCTTTGGAGTCAAATTCACCATCTTC[T>C]TTTTCTGCCTCTAAATTCCATTTTTGGTTGATTTCAGCTAAAGTTTTCTTTTTTTGCTTT-3'
Protein context (NP_000456.2, residues 214-234): INQKWNLEAE[Lys224=]EDGEFDSKEE

ClinVar aggregate classification (germline): Benign/Likely benign. Review status: criteria provided, multiple submitters, no conflicts (2 of 4 stars). 3 submissions from 3 submitters: Benign (1); Likely benign (2). Last evaluated 2024-07-22.

Conditions:
Hereditary cancer-predisposing syndrome. Also called: Tumor predisposition; Hereditary neoplastic syndrome; Neoplastic Syndromes, Hereditary; Hereditary Cancer Syndrome. Identifiers: Orphanet 140162, MedGen C0027672, MeSH D009386, MONDO:0015356.
Familial cancer of breast. Also called: BREAST CANCER, FAMILIAL; hereditary breast carcinoma; Hereditary breast cancer. Identifiers: Orphanet 227535, MedGen C0346153, MONDO:0016419, OMIM 114480. Disease mechanism: loss of function.

Allele frequency attached by ClinVar (database versions not stated): gnomAD exomes below 0.00001.
gnomAD v4.1: 2 of 1,590,568 alleles (0.00013%); highest among the groups gnomAD compares: Non-Finnish European, 0.00017%; no homozygotes.

Submissions (3):

Myriad Genetics, Inc.
Classification: Benign for Familial cancer of breast. Last evaluated: 2024-07-22. Review status: criteria provided, single submitter. Criteria: Myriad Autosomal Dominant, Autosomal Recessive and X-Linked Classification Criteria (2023). Collection method: clinical testing. Allele origin: unknown.
Comment: This variant is considered benign. This variant is a silent/synonymous amino acid change and it is not expected to impact splicing.

Ambry Genetics
Classification: Likely benign for Hereditary cancer-predisposing syndrome. Last evaluated: 2023-02-15. Review status: criteria provided, single submitter. Criteria: Ambry Variant Classification Scheme 2023. Collection method: clinical testing. Allele origin: germline.

Labcorp Genetics (formerly Invitae), Labcorp
Classification: Likely benign for Familial cancer of breast. Last evaluated: 2023-01-30. Review status: criteria provided, single submitter. Criteria: Invitae Variant Classification Sherloc (09022015). Collection method: clinical testing. Allele origin: germline.